The following is an entry in ClinVar:

NM_001424.6(EMP2):c.110A>G (p.Asp37Gly)

Gene: EMP2 (epithelial membrane protein 2; minus strand). Cytogenetic location: 16p13.13.
Variant type: single nucleotide variant.
Coding change: c.110A>G on transcript NM_001424.6 (MANE Select); coding-DNA position 110, A replaced by G.
Protein change: p.Asp37Gly; replaces aspartic acid 37 with glycine.
Molecular consequence: missense variant.
Genome position (GRCh38, 1-based): chr16:10,543,629, T>C on the plus strand (A>G on the coding strand, the complement: EMP2 is on the minus strand). VCF-style: chr16-10543629-T-C. GRCh37 (hg19) VCF-style: chr16-10637486-T-C.
Other names: short protein forms D37G.
Identifiers: ClinVar variation 2622725 (VCV002622725.2), dbSNP rs1178159329, ClinGen allele CA394716805.

ClinVar aggregate classification (germline): Uncertain significance (1 of 4 stars; one submission).

Allele frequency attached by ClinVar (database versions not stated): TOPMed below 0.00001.

Submission:

Ambry Genetics
Classification: Uncertain significance. Last evaluated: 2023-09-12. Review status: criteria provided, single submitter. Criteria: Ambry Variant Classification Scheme 2023. Collection method: clinical testing. Allele origin: germline.
Comment: Does not currently meet published gene-disease clinical validity criteria Based on insufficient or conflicting evidence, the clinical significance of this alteration remains unclear.

Literature cited by the submitters: PubMed 28106320.